The following is an entry in ClinVar:

NM_001127208.3(TET2):c.368del (p.Arg123fs)

Genes: TET2 (tet methylcytosine dioxygenase 2; plus strand), TET2-AS1 (TET2 antisense RNA 1; minus strand). Cytogenetic location: 4q24.
Variant type: Deletion.
Coding change: c.368del on transcript NM_001127208.3 (MANE Select); coding-DNA position 368, one base deleted (G; older notation c.368delG).
Protein change: p.Arg123fs; shifts the reading frame from arginine 123.
Molecular consequence: frameshift variant.
Genome position (GRCh38, 1-based): chr4:105,234,310, G deleted. VCF-style (leftmost placement, unchanged base first): chr4-105234309-CG-C. GRCh37 (hg19) VCF-style: chr4-106155466-CG-C.
Other names: c.368del, p.Arg123fs (NM_017628.4); short protein forms R123fs.
Identifiers: ClinVar variation 4773468 (VCV004773468.1).

ClinVar aggregate classification (germline): Pathogenic (1 of 4 stars; one submission).

Submission:

Labcorp Genetics (formerly Invitae), Labcorp
Classification: Pathogenic. Last evaluated: 2025-06-17. Review status: criteria provided, single submitter. Criteria: Invitae Variant Classification Sherloc (09022015). Collection method: clinical testing. Allele origin: germline.
Comment: This sequence change creates a premature translational stop signal (p.Arg123Leufs*5) in the TET2 gene. It is expected to result in an absent or disrupted protein product. Loss-of-function variants in TET2 are known to be pathogenic (PMID: 36066697). This variant is not present in population databases (gnomAD no frequency). This variant has not been reported in the literature in individuals affected with TET2-related conditions. For these reasons, this variant has been classified as Pathogenic.

Literature cited by the submitters: PubMed 36066697.